The following is an entry in ClinVar:

NM_000233.4(LHCGR):c.1864C>A (p.Leu622Met)

Genes: LHCGR (luteinizing hormone/choriogonadotropin receptor; minus strand), STON1-GTF2A1L (STON1-GTF2A1L readthrough; plus strand). Cytogenetic location: 2p16.3.
Variant type: single nucleotide variant.
Coding change: c.1864C>A on transcript NM_000233.4 (MANE Select); coding-DNA position 1864, C replaced by A.
Protein change: p.Leu622Met; replaces leucine 622 with methionine.
Molecular consequence: missense variant. On other transcripts: intron variant (1).
Genome position (GRCh38, 1-based): chr2:48,687,933, G>T on the plus strand (C>A on the coding strand, the complement: LHCGR is on the minus strand). VCF-style: chr2-48687933-G-T. GRCh37 (hg19) VCF-style: chr2-48915072-G-T.
Other names: c.3441+16253G>T (NM_001198593.2); c.1864C>A (NM_000233.3); short protein forms L622M.
Identifiers: ClinVar variation 2431493 (VCV002431493.3), dbSNP rs1325590280, ClinGen allele CA346744096.

ClinVar aggregate classification (germline): Uncertain significance. Review status: criteria provided, multiple submitters, no conflicts (2 of 4 stars). 2 submissions from 2 submitters: Uncertain significance (2). Last evaluated 2024-12-10.

Conditions:
Inborn genetic diseases. Identifiers: MedGen C0950123, MeSH D030342.
Leydig cell agenesis. Also called: LEYDIG CELL HYPOPLASIA WITH MALE PSEUDOHERMAPHRODITISM; LEYDIG CELL HYPOPLASIA, COMPLETE; HYPERGONADOTROPIC HYPOGONADISM, MALE, DUE TO LHCGR DEFECT; Leydig cell hypoplasia, type 1. Identifiers: MedGen C0266432, MONDO:0009384, OMIM 238320.

Allele frequency attached by ClinVar (database versions not stated): gnomAD exomes below 0.00001; gnomAD 0.00001; TOPMed 0.00001.
gnomAD v4.1: 6 of 1,613,960 alleles (0.00037%); highest among the groups gnomAD compares: African/African-American, 0.008%; no homozygotes.

Submissions (2):

Ambry Genetics
Classification: Uncertain significance for Inborn genetic diseases. Last evaluated: 2024-12-10. Review status: criteria provided, single submitter. Criteria: Ambry Variant Classification Scheme 2023. Collection method: clinical testing. Allele origin: germline.

Laboratorio de Genetica e Diagnostico Molecular, Hospital Israelita Albert Einstein
Classification: Uncertain significance for Leydig cell agenesis. Last evaluated: 2022-10-14. Review status: criteria provided, single submitter. Criteria: ACMG Guidelines, 2015. Collection method: clinical testing. Allele origin: germline. Affected: yes.
Comment: ACMG classification criteria: PM2 moderated